The following is an entry in ClinVar:

ClinVar aggregate classification (germline): Uncertain significance (1 of 4 stars; one submission).

Conditions:
Hereditary cancer-predisposing syndrome. Also called: Tumor predisposition; Hereditary Cancer Syndrome; Hereditary neoplastic syndrome; Neoplastic Syndromes, Hereditary. Identifiers: Orphanet 140162, MedGen C0027672, MeSH D009386, MONDO:0015356.

Submission:

Ambry Genetics
Classification: Uncertain significance for Hereditary cancer-predisposing syndrome. Last evaluated: 2016-02-06. Review status: criteria provided, single submitter. Criteria: Ambry Variant Classification Scheme 2023. Collection method: clinical testing. Allele origin: germline.
Comment: The p.F363C variant (also known as c.1088T>G), located in coding exon 10 of the PMS2 gene, results from a T to G substitution at nucleotide position 1088. The phenylalanine at codon 363 is replaced by cysteine, an amino acid with highly dissimilar properties. This variant was not reported in population based cohorts in the following databases: Database of Single Nucleotide Polymorphisms (dbSNP), NHLBI Exome Sequencing Project (ESP), and 1000 Genomes Project. In the ESP, this variant was not observed in 6503 samples (13006 alleles) with coverage at this position. To date, this alteration has been detected with an allele frequency of approximately 0.001% (greater than 110000 alleles tested) in our clinical cohort. This amino acid position is well conserved in available vertebrate species. In addition, this alteration is predicted to be deleterious by in silico analysis. Since supporting evidence is limited at this time, the clinical significance of this alteration remains unclear.

NM_000535.7(PMS2):c.1088T>G (p.Phe363Cys)

Gene: PMS2 (PMS1 homolog 2, mismatch repair system component; minus strand). Cytogenetic location: 7p22.1.
Variant type: single nucleotide variant.
Coding change: c.1088T>G on transcript NM_000535.7 (MANE Select); coding-DNA position 1088, T replaced by G.
Protein change: p.Phe363Cys; replaces phenylalanine 363 with cysteine.
Molecular consequence: missense variant. On other transcripts: non-coding transcript variant (1), intron variant (2).
Genome position (GRCh38, 1-based): chr7:5,989,856, A>C on the plus strand (T>G on the coding strand, the complement: PMS2 is on the minus strand). VCF-style: chr7-5989856-A-C. GRCh37 (hg19) VCF-style: chr7-6029487-A-C.
Other names: c.683T>G, p.Phe228Cys (NM_001322003.2, NM_001322004.2, NM_001322005.2 and 1 more transcripts); c.770T>G, p.Phe257Cys (NM_001322007.2, NM_001322008.2); c.155T>G, p.Phe52Cys (NM_001322011.2, NM_001322012.2); c.515T>G, p.Phe172Cys (NM_001322013.2); c.1088T>G, p.Phe363Cys (NM_001322014.2); c.779T>G, p.Phe260Cys (NM_001322015.2); c.583+2117T>G (NM_001322010.2); c.988+2117T>G (NM_001322006.2); short protein forms F363C, F172C, F228C, F257C, F260C, F52C.
Identifiers: ClinVar variation 486925 (VCV000486925.5), dbSNP rs1554298706, ClinGen allele CA366742836.